The following is an entry in ClinVar:

ClinVar aggregate classification (germline): Uncertain significance (1 of 4 stars; one submission).

Allele frequency attached by ClinVar (database versions not stated): TOPMed below 0.00001; gnomAD 0.00001; gnomAD exomes 0.00001.
gnomAD v4.1: 23 of 1,600,188 alleles (0.0014%); highest among the groups gnomAD compares: Admixed American, 0.0034%; no homozygotes.

Submission:

Labcorp Genetics (formerly Invitae), Labcorp
Classification: Uncertain significance. Last evaluated: 2021-12-19. Review status: criteria provided, single submitter. Criteria: Invitae Variant Classification Sherloc (09022015). Collection method: clinical testing. Allele origin: germline.
Comment: This sequence change replaces arginine, which is basic and polar, with tryptophan, which is neutral and slightly polar, at codon 817 of the DOCK6 protein (p.Arg817Trp). In summary, the available evidence is currently insufficient to determine the role of this variant in disease. Therefore, it has been classified as a Variant of Uncertain Significance. Algorithms developed to predict the effect of missense changes on protein structure and function are either unavailable or do not agree on the potential impact of this missense change (SIFT: "Deleterious"; PolyPhen-2: "Benign"; Align-GVGD: "Class C0"). This variant has not been reported in the literature in individuals affected with DOCK6-related conditions. The frequency data for this variant in the population databases is considered unreliable, as metrics indicate poor data quality at this position in the gnomAD database.

NM_020812.4(DOCK6):c.2449C>T (p.Arg817Trp)

Gene: DOCK6 (dedicator of cytokinesis 6; minus strand). Cytogenetic location: 19p13.2.
Variant type: single nucleotide variant.
Coding change: c.2449C>T on transcript NM_020812.4 (MANE Select); coding-DNA position 2449, C replaced by T.
Protein change: p.Arg817Trp; replaces arginine 817 with tryptophan.
Molecular consequence: missense variant.
Genome position (GRCh38, 1-based): chr19:11,235,703, G>A on the plus strand (C>T on the coding strand, the complement: DOCK6 is on the minus strand). VCF-style: chr19-11235703-G-A. GRCh37 (hg19) VCF-style: chr19-11346379-G-A.
Other names: c.2449C>T, p.Arg817Trp (NM_001367830.1); short protein forms R817W.
Identifiers: ClinVar variation 1906963 (VCV001906963.4), dbSNP rs781012897, ClinGen allele CA305331162.